The following is an entry in ClinVar:

NM_001042492.3(NF1):c.518A>T (p.Asp173Val)

Gene: NF1 (neurofibromin 1; plus strand). Cytogenetic location: 17q11.2.
Variant type: single nucleotide variant.
Coding change: c.518A>T on transcript NM_001042492.3 (MANE Select); coding-DNA position 518, A replaced by T.
Protein change: p.Asp173Val; replaces aspartic acid 173 with valine.
Molecular consequence: missense variant.
Genome position (GRCh38, 1-based): chr17:31,169,929, A>T. VCF-style: chr17-31169929-A-T. GRCh37 (hg19) VCF-style: chr17-29496947-A-T.
Other names: c.518A>T, p.Asp173Val (NM_000267.4, NM_001128147.3); short protein forms D173V.
Identifiers: ClinVar variation 660881 (VCV000660881.5), dbSNP rs1597643820, ClinGen allele CA398985011.

ClinVar aggregate classification (germline): Uncertain significance (1 of 4 stars; one submission).

Conditions:
Neurofibromatosis, type 1 (NF1). Also called: VON RECKLINGHAUSEN DISEASE; NEUROFIBROMATOSIS, TYPE I, SOMATIC; Peripheral type neurofibromatosis; Neurofibromatosis, type I. Identifiers: Orphanet 636, MedGen C0027831, MONDO:0018975, OMIM 162200. Disease mechanism: loss of function.

Submission:

Labcorp Genetics (formerly Invitae), Labcorp
Classification: Uncertain significance for Neurofibromatosis, type 1. Last evaluated: 2021-05-16. Review status: criteria provided, single submitter. Criteria: Invitae Variant Classification Sherloc (09022015). Collection method: clinical testing. Allele origin: germline.
Comment: This variant is not present in population databases (ExAC no frequency). In summary, the available evidence is currently insufficient to determine the role of this variant in disease. Therefore, it has been classified as a Variant of Uncertain Significance. Algorithms developed to predict the effect of missense changes on protein structure and function (SIFT, PolyPhen-2, Align-GVGD) all suggest that this variant is likely to be tolerated, but these predictions have not been confirmed by published functional studies and their clinical significance is uncertain. This variant has not been reported in the literature in individuals with NF1-related conditions. This sequence change replaces aspartic acid with valine at codon 173 of the NF1 protein (p.Asp173Val). The aspartic acid residue is highly conserved and there is a large physicochemical difference between aspartic acid and valine.